The following is an entry in ClinVar:

NM_018646.6(TRPV6):c.403G>A (p.Ala135Thr)

Gene: TRPV6 (transient receptor potential cation channel subfamily V member 6; minus strand). Cytogenetic location: 7q34.
Variant type: single nucleotide variant.
Coding change: c.403G>A on transcript NM_018646.6 (MANE Select); coding-DNA position 403, G replaced by A.
Protein change: p.Ala135Thr; replaces alanine 135 with threonine.
Molecular consequence: missense variant.
Genome position (GRCh38, 1-based): chr7:142,877,717, C>T on the plus strand (G>A on the coding strand, the complement: TRPV6 is on the minus strand). VCF-style: chr7-142877717-C-T. GRCh37 (hg19) VCF-style: chr7-142575470-C-T.
Other names: short protein forms A135T.
Identifiers: ClinVar variation 4753103 (VCV004753103.1).

ClinVar aggregate classification (germline): Uncertain significance (1 of 4 stars; one submission).

gnomAD v4.1: 76 of 1,614,186 alleles (0.0047%); highest among the groups gnomAD compares: African/African-American, 0.012%; no homozygotes.

Submission:

Labcorp Genetics (formerly Invitae), Labcorp
Classification: Uncertain significance. Last evaluated: 2025-04-20. Review status: criteria provided, single submitter. Criteria: Invitae Variant Classification Sherloc (09022015). Collection method: clinical testing. Allele origin: germline.
Comment: This sequence change replaces alanine, which is neutral and non-polar, with threonine, which is neutral and polar, at codon 135 of the TRPV6 protein (p.Ala135Thr). This variant is present in population databases (rs111318322, gnomAD 0.008%). This variant has not been reported in the literature in individuals affected with TRPV6-related conditions. Algorithms developed to predict the effect of variants on gene product structure and function are not available or were not evaluated for this variant. Experimental studies have shown that this missense change does not substantially affect TRPV6 function (PMID: 31930989). In summary, the available evidence is currently insufficient to determine the role of this variant in disease. Therefore, it has been classified as a Variant of Uncertain Significance.

Literature cited by the submitters: PubMed 31930989.